The following is an entry in ClinVar:

NM_004525.3(LRP2):c.11887A>G (p.Asn3963Asp)

Gene: LRP2 (LDL receptor related protein 2; minus strand). Cytogenetic location: 2q31.1.
Variant type: single nucleotide variant.
Coding change: c.11887A>G on transcript NM_004525.3 (MANE Select); coding-DNA position 11887, A replaced by G.
Protein change: p.Asn3963Asp; replaces asparagine 3963 with aspartic acid.
Molecular consequence: missense variant.
Genome position (GRCh38, 1-based): chr2:169,162,472, T>C on the plus strand (A>G on the coding strand, the complement: LRP2 is on the minus strand). VCF-style: chr2-169162472-T-C. GRCh37 (hg19) VCF-style: chr2-170018982-T-C.
Other names: short protein forms N3963D.
Identifiers: ClinVar variation 1021522 (VCV001021522.6), dbSNP rs1686624447, ClinGen allele CA349139703.

ClinVar aggregate classification (germline): Uncertain significance (1 of 4 stars; one submission).

Submission:

Labcorp Genetics (formerly Invitae), Labcorp
Classification: Uncertain significance. Last evaluated: 2022-09-01. Review status: criteria provided, single submitter. Criteria: Invitae Variant Classification Sherloc (09022015). Collection method: clinical testing. Allele origin: germline.
Comment: In summary, the available evidence is currently insufficient to determine the role of this variant in disease. Therefore, it has been classified as a Variant of Uncertain Significance. Algorithms developed to predict the effect of sequence changes on RNA splicing suggest that this variant may create or strengthen a splice site. Algorithms developed to predict the effect of missense changes on protein structure and function are either unavailable or do not agree on the potential impact of this missense change (SIFT: "Tolerated"; PolyPhen-2: "Possibly Damaging"; Align-GVGD: "Class C0"). ClinVar contains an entry for this variant (Variation ID: 1021522). This variant has not been reported in the literature in individuals affected with LRP2-related conditions. This variant is not present in population databases (gnomAD no frequency). This sequence change replaces asparagine, which is neutral and polar, with aspartic acid, which is acidic and polar, at codon 3963 of the LRP2 protein (p.Asn3963Asp).